The following is an entry in ClinVar:

NM_001252024.2(TRPM1):c.3712C>T (p.Arg1238Ter)

Gene: TRPM1 (transient receptor potential cation channel subfamily M member 1; minus strand). Cytogenetic location: 15q13.3.
Variant type: single nucleotide variant.
Coding change: c.3712C>T on transcript NM_001252024.2 (MANE Select); coding-DNA position 3712, C replaced by T.
Protein change: p.Arg1238Ter; replaces arginine 1238 with a stop codon.
Molecular consequence: nonsense.
Genome position (GRCh38, 1-based): chr15:31,002,988, G>A on the plus strand (C>T on the coding strand, the complement: TRPM1 is on the minus strand). VCF-style: chr15-31002988-G-A. GRCh37 (hg19) VCF-style: chr15-31295191-G-A.
Other names: c.3763C>T, p.Arg1255Ter (NM_001252020.2); c.3646C>T, p.Arg1216Ter (NM_002420.6); short protein forms R1255*, R1238*, R1216*.
Identifiers: ClinVar variation 1481811 (VCV001481811.6), dbSNP rs986957115, ClinGen allele CA267497645.

ClinVar aggregate classification (germline): Uncertain significance (1 of 4 stars; one submission).

Allele frequency attached by ClinVar (database versions not stated): gnomAD exomes below 0.00001.
gnomAD v4.1: 2 of 1,594,360 alleles (0.00013%); highest among the groups gnomAD compares: Non-Finnish European, 0.00017%; no homozygotes.

Submission:

Labcorp Genetics (formerly Invitae), Labcorp
Classification: Uncertain significance. Last evaluated: 2021-08-09. Review status: criteria provided, single submitter. Criteria: Invitae Variant Classification Sherloc (09022015). Collection method: clinical testing. Allele origin: germline.
Comment: This sequence change creates a premature translational stop signal (p.Arg1216*) in the TRPM1 gene. While this is not anticipated to result in nonsense mediated decay, it is expected to disrupt the last 388 amino acid(s) of the TRPM1 protein. In summary, the available evidence is currently insufficient to determine the role of this variant in disease. Therefore, it has been classified as a Variant of Uncertain Significance. This variant disrupts a region of the TRPM1 protein in which other variant(s) (p.Asn1265Ilefs*42) have been observed in individuals with TRPM1-related conditions (PMID: 31496144). This suggests that this is a clinically significant region of the protein, and that variants that disrupt it are likely to be disease-causing. This variant has not been reported in the literature in individuals affected with TRPM1-related conditions. This variant is not present in population databases (ExAC no frequency).

Literature cited by the submitters: PubMed 31496144.